The following is an entry in ClinVar:

NM_006885.4(ZFHX3):c.1294G>C (p.Glu432Gln)

Gene: ZFHX3 (zinc finger homeobox 3; minus strand). Cytogenetic location: 16q22.3.
Variant type: single nucleotide variant.
Coding change: c.1294G>C on transcript NM_006885.4 (MANE Select); coding-DNA position 1294, G replaced by C.
Protein change: p.Glu432Gln; replaces glutamic acid 432 with glutamine.
Molecular consequence: missense variant. On other transcripts: intron variant (1).
Genome position (GRCh38, 1-based): chr16:72,958,852, C>G on the plus strand (G>C on the coding strand, the complement: ZFHX3 is on the minus strand). VCF-style: chr16-72958852-C-G. GRCh37 (hg19) VCF-style: chr16-72992751-C-G.
Other names: c.1294G>C, p.Glu432Gln (NM_001386735.1); c.-23-7887G>C (NM_001164766.2); short protein forms E432Q.
Identifiers: ClinVar variation 4205083 (VCV004205083.1).
Genomic context (GRCh38, chr16:72,958,852, plus strand): 5'-AGCAATCCCCGTCGCCCACTTCCTGCTTCTCTCCTTCTGCCGCCCCAGAGTCCTTGCCCT[C>G]TGAGGATTTGGTAGGACTGGAAGCCAGAGGCCCCAGGGGGACTGAGGTAATGGGGGTCTT-3'
Protein context (NP_008816.3, residues 422-442): PLASSPTKSS[Glu432Gln]GKDSGAAEGE

ClinVar aggregate classification (germline): Uncertain significance (1 of 4 stars; one submission).

Submission:

Ambry Genetics
Classification: Uncertain significance. Last evaluated: 2025-09-03. Review status: criteria provided, single submitter. Criteria: Ambry Variant Classification Scheme 2023. Collection method: clinical testing. Allele origin: germline.
Comment: The c.1294G>C (p.E432Q) alteration is located in exon 2 (coding exon 1) of the ZFHX3 gene. This alteration results from a G to C substitution at nucleotide position 1294, causing the glutamic acid (E) at amino acid position 432 to be replaced by a glutamine (Q). This variant was not reported in population-based cohorts in the Genome Aggregation Database (gnomAD). This amino acid position is well conserved in available vertebrate species. This alteration is predicted to be tolerated by in silico analysis. Based on insufficient or conflicting evidence, the clinical significance of this alteration remains unclear.